The following is an entry in ClinVar:

NM_005121.3(MED13):c.5062C>T (p.Gln1688Ter)

Gene: MED13 (mediator complex subunit 13; minus strand). Cytogenetic location: 17q23.2.
Variant type: single nucleotide variant.
Coding change: c.5062C>T on transcript NM_005121.3 (MANE Select); coding-DNA position 5062, C replaced by T.
Protein change: p.Gln1688Ter; replaces glutamine 1688 with a stop codon.
Molecular consequence: nonsense.
Genome position (GRCh38, 1-based): chr17:61,962,754, G>A on the plus strand (C>T on the coding strand, the complement: MED13 is on the minus strand). VCF-style: chr17-61962754-G-A. GRCh37 (hg19) VCF-style: chr17-60040115-G-A.
Other names: short protein forms Q1688*.
Identifiers: ClinVar variation 4857476 (VCV004857476.1).

ClinVar aggregate classification (germline): Pathogenic (1 of 4 stars; one submission).

Conditions:
Intellectual developmental disorder 61. Also called: INTELLECTUAL DEVELOPMENTAL DISORDER, AUTOSOMAL DOMINANT 61; MENTAL RETARDATION, AUTOSOMAL DOMINANT 61. Identifiers: MedGen C5231400, MONDO:0032485, OMIM 618009.

Submission:

Institute of Human Genetics, University of Leipzig Medical Center
Classification: Pathogenic for Intellectual developmental disorder 61. Last evaluated: 2026-04-21. Review status: criteria provided, single submitter. Criteria: ACMG Guidelines, 2015. Collection method: clinical testing. Allele origin: unknown. Inheritance: Autosomal dominant inheritance. Affected: yes.
Comment: Criteria applied: PVS1,PM2